The following is an entry in ClinVar:

ClinVar aggregate classification (germline): Likely pathogenic (1 of 4 stars; one submission).

Conditions:
Familial cancer of breast. Also called: Hereditary breast cancer; BREAST CANCER, FAMILIAL; hereditary breast carcinoma. Identifiers: Orphanet 227535, MedGen C0346153, MONDO:0016419, OMIM 114480. Disease mechanism: loss of function.

Submission:

Myriad Genetics, Inc.
Classification: Likely pathogenic for Familial cancer of breast. Last evaluated: 2023-01-13. Review status: criteria provided, single submitter. Criteria: Myriad Autosomal Dominant, Autosomal Recessive and X-Linked Classification Criteria (2023). Collection method: clinical testing. Allele origin: unknown.
Comment: This variant is considered likely pathogenic. This variant occurs within a consensus splice junction and is predicted to result in abnormal mRNA splicing of either an out-of-frame exon or an in-frame exon necessary for protein stability and/or normal function.

NM_000051.4(ATM):c.7783_7788+28del

Genes: ATM (ATM serine/threonine kinase; plus strand), C11orf65 (chromosome 11 open reading frame 65; minus strand). Cytogenetic location: 11q22.3.
Variant type: Deletion.
Coding change: c.7783_7788+28del on transcript NM_000051.4 (MANE Select); coding-DNA position 7783 through 28 bases into the intron after coding-DNA position 7788, 34 bases deleted.
Molecular consequence: splice donor variant. On other transcripts: intron variant (2).
Genome position (GRCh38, 1-based): chr11:108,332,032-108,332,065, 34 bases deleted; deleting any 34 consecutive bases within chr11:108,332,030-108,332,065 gives the same sequence; the c. name uses the placement nearest the transcript's 3' end. GRCh37 (hg19): chr11:108,202,759-108,202,792.
Other names: c.7783_7788+28del (NM_001351834.2); c.641-22992_641-22959del (NM_001330368.2); c.*38+3157_*38+3190del (NM_001351110.2).
Identifiers: ClinVar variation 2431323 (VCV002431323.1), dbSNP rs2547286873, ClinGen allele CA2580083543.